The following is an entry in ClinVar:

ClinVar aggregate classification (germline): Benign. Review status: criteria provided, multiple submitters, no conflicts (2 of 4 stars). 2 submissions from 2 submitters: Benign (2). Last evaluated 2016-03-29.

Allele frequency attached by ClinVar (database versions not stated): 1000 Genomes Project 30x 0.38320; gnomAD exomes 0.05325 and 0.28941; gnomAD 0.30290 and 0.30493; ExAC 0.04113.
gnomAD v4.1: 365,871 of 1,255,248 alleles (29%); highest among the groups gnomAD compares: South Asian, 39%; 46,194 homozygotes.

Submissions (18):

Laboratory for Molecular Medicine, Mass General Brigham Personalized Medicine
Classification: Benign. Last evaluated: 2016-03-29. Review status: criteria provided, single submitter. Criteria: LMM Criteria. Collection method: clinical testing. Allele origin: germline.
Comment: Variant identified in a genome or exome case(s) and assessed due to predicted null impact of the variant or pathogenic assertions in the literature or databases. Disclaimer: This variant has not undergone full assessment. The following are preliminary notes: Frequency

Breakthrough Genomics
Classification: Benign. Review status: criteria provided, single submitter. Criteria: ACMG Guidelines, 2015. Collection method: not provided. Allele origin: germline. Inheritance: Unknown mechanism. Affected: yes.

Dr. Peter K. Rogan Lab, Western University
No classification provided (evidence only). Condition: Clear cell carcinoma of kidney. Review status: no classification provided. Collection method: in vitro. Allele origin: not applicable. Functional consequence: retained intron. Not counted in ClinVar's aggregate classification.

Dr. Peter K. Rogan Lab, Western University
No classification provided (evidence only). Condition: Clear cell carcinoma of kidney. Review status: no classification provided. Collection method: in vitro. Allele origin: not applicable. Functional consequence: retained intron. Not counted in ClinVar's aggregate classification.

Dr. Peter K. Rogan Lab, Western University
No classification provided (evidence only). Condition: Clear cell carcinoma of kidney. Review status: no classification provided. Collection method: in vitro. Allele origin: not applicable. Functional consequence: retained intron. Not counted in ClinVar's aggregate classification.

Dr. Peter K. Rogan Lab, Western University
No classification provided (evidence only). Condition: Clear cell carcinoma of kidney. Review status: no classification provided. Collection method: in vitro. Allele origin: not applicable. Functional consequence: retained intron. Not counted in ClinVar's aggregate classification.

Dr. Peter K. Rogan Lab, Western University
No classification provided (evidence only). Condition: Clear cell carcinoma of kidney. Review status: no classification provided. Collection method: in vitro. Allele origin: not applicable. Functional consequence: retained intron. Not counted in ClinVar's aggregate classification.

Dr. Peter K. Rogan Lab, Western University
No classification provided (evidence only). Condition: Clear cell carcinoma of kidney. Review status: no classification provided. Collection method: in vitro. Allele origin: not applicable. Functional consequence: retained intron. Not counted in ClinVar's aggregate classification.

Dr. Peter K. Rogan Lab, Western University
No classification provided (evidence only). Condition: Colon adenocarcinoma. Review status: no classification provided. Collection method: in vitro. Allele origin: not applicable. Functional consequence: retained intron. Not counted in ClinVar's aggregate classification.

Dr. Peter K. Rogan Lab, Western University
No classification provided (evidence only). Condition: Malignant lymphoma, large B-cell, diffuse. Review status: no classification provided. Collection method: in vitro. Allele origin: not applicable. Functional consequence: retained intron. Not counted in ClinVar's aggregate classification.

Dr. Peter K. Rogan Lab, Western University
No classification provided (evidence only). Condition: Hepatocellular carcinoma. Review status: no classification provided. Collection method: in vitro. Allele origin: not applicable. Functional consequence: retained intron. Not counted in ClinVar's aggregate classification.

Dr. Peter K. Rogan Lab, Western University
No classification provided (evidence only). Condition: Hepatocellular carcinoma. Review status: no classification provided. Collection method: in vitro. Allele origin: not applicable. Functional consequence: retained intron. Not counted in ClinVar's aggregate classification.

Dr. Peter K. Rogan Lab, Western University
No classification provided (evidence only). Condition: Hepatocellular carcinoma. Review status: no classification provided. Collection method: in vitro. Allele origin: not applicable. Functional consequence: retained intron. Not counted in ClinVar's aggregate classification.

Dr. Peter K. Rogan Lab, Western University
No classification provided (evidence only). Condition: Hepatocellular carcinoma. Review status: no classification provided. Collection method: in vitro. Allele origin: not applicable. Functional consequence: retained intron. Not counted in ClinVar's aggregate classification.

Dr. Peter K. Rogan Lab, Western University
No classification provided (evidence only). Condition: Nonpapillary renal cell carcinoma. Review status: no classification provided. Collection method: in vitro. Allele origin: not applicable. Functional consequence: retained intron. Not counted in ClinVar's aggregate classification.

Dr. Peter K. Rogan Lab, Western University
No classification provided (evidence only). Condition: Nonpapillary renal cell carcinoma. Review status: no classification provided. Collection method: in vitro. Allele origin: not applicable. Functional consequence: retained intron. Not counted in ClinVar's aggregate classification.

Dr. Peter K. Rogan Lab, Western University
No classification provided (evidence only). Condition: Thymoma. Review status: no classification provided. Collection method: in vitro. Allele origin: not applicable. Functional consequence: retained intron. Not counted in ClinVar's aggregate classification.

Dr. Peter K. Rogan Lab, Western University
No classification provided (evidence only). Condition: Malignant tumor of esophagus. Review status: no classification provided. Collection method: in vitro. Allele origin: not applicable. Functional consequence: retained intron. Not counted in ClinVar's aggregate classification.

NM_024318.5(LILRA6):c.614G>A (p.Arg205Gln)

Gene: LILRA6 (leukocyte immunoglobulin like receptor A6; minus strand). Cytogenetic location: 19q13.42.
Variant type: single nucleotide variant.
Coding change: c.614G>A on transcript NM_024318.5 (MANE Select); coding-DNA position 614, G replaced by A.
Protein change: p.Arg205Gln; replaces arginine 205 with glutamine.
Molecular consequence: missense variant.
Genome position (GRCh38, 1-based): chr19:54,241,620, C>T on the plus strand (G>A on the coding strand, the complement: LILRA6 is on the minus strand). VCF-style: chr19-54241620-C-T. GRCh37 (hg19) VCF-style: chr19-54745496-C-T.
Other names: c.614G>A (NM_024318.4); short protein forms R205Q.
Identifiers: ClinVar variation 403040 (VCV000403040.6), dbSNP rs61734495, ClinGen allele CA309417382.
Genomic context (GRCh38, chr19:54,241,620, plus strand): 5'-GCCGTGGCTCCCTCACCTGAGGGCAGAATCTCCAGGGGGTCACTGGGGTGGGACCACACC[C>T]GGGGGGTGTTCATATAATAGTAATAGCATGTGAACCTCCACCTGTGGCTGGGGTTCACGG-3'
Protein context (NP_077294.3, residues 195-215): TCYYYYMNTP[Arg205Gln]VWSHPSDPLE